The following is an entry in ClinVar:

ClinVar aggregate classification (germline): Uncertain significance (1 of 4 stars; one submission).

Conditions:
Baller-Gerold syndrome (BGS). Also called: CRANIOSYNOSTOSIS WITH RADIAL DEFECTS. Identifiers: Orphanet 1225, MedGen C0265308, MONDO:0009039, OMIM 218600.

Allele frequency attached by ClinVar (database versions not stated): TOPMed below 0.00001; gnomAD 0.00001 and 0.00003; gnomAD exomes 0.00006 and 0.00010; ExAC 0.00009; 1000 Genomes Project 0.00020; 1000 Genomes Project 30x 0.00031.
gnomAD v4.1: 86 of 1,611,612 alleles (0.0053%); highest among the groups gnomAD compares: South Asian, 0.072%; no homozygotes.

Submission:

Labcorp Genetics (formerly Invitae), Labcorp
Classification: Uncertain significance for Baller-Gerold syndrome. Last evaluated: 2024-04-22. Review status: criteria provided, single submitter. Criteria: Invitae Variant Classification Sherloc (09022015). Collection method: clinical testing. Allele origin: germline.
Comment: This sequence change replaces glycine, which is neutral and non-polar, with glutamic acid, which is acidic and polar, at codon 1113 of the RECQL4 protein (p.Gly1113Glu). This variant is present in population databases (rs572936673, gnomAD 0.08%). This variant has not been reported in the literature in individuals affected with RECQL4-related conditions. ClinVar contains an entry for this variant (Variation ID: 406922). Advanced modeling of protein sequence and biophysical properties (such as structural, functional, and spatial information, amino acid conservation, physicochemical variation, residue mobility, and thermodynamic stability) performed at Invitae indicates that this missense variant is not expected to disrupt RECQL4 protein function with a negative predictive value of 80%. In summary, the available evidence is currently insufficient to determine the role of this variant in disease. Therefore, it has been classified as a Variant of Uncertain Significance.

NM_004260.4(RECQL4):c.3338G>A (p.Gly1113Glu)

Gene: RECQL4 (RecQ like helicase 4; minus strand). Cytogenetic location: 8q24.3.
Variant type: single nucleotide variant.
Coding change: c.3338G>A on transcript NM_004260.4 (MANE Select); coding-DNA position 3338, G replaced by A.
Protein change: p.Gly1113Glu; replaces glycine 1113 with glutamic acid.
Molecular consequence: missense variant.
Genome position (GRCh38, 1-based): chr8:144,511,966, C>T on the plus strand (G>A on the coding strand, the complement: RECQL4 is on the minus strand). VCF-style: chr8-144511966-C-T. GRCh37 (hg19) VCF-style: chr8-145737349-C-T.
Other names: short protein forms G1113E.
Identifiers: ClinVar variation 406922 (VCV000406922.9), dbSNP rs572936673, ClinGen allele CA4947812.
Genomic context (GRCh38, chr8:144,511,966, plus strand): 5'-CTCACTCTGGCCTGCCCTGGCTCGGGGCCCTGTGCGTCCTCCATGCCTCCCGGCTCCTGC[C>T]CTTCCTCTTCCTCAAAGTAGCGGCCGAGCAGGTCCTTGAGCCTGGTGCTGCGCTCCTCAT-3'
Protein context (NP_004251.4, residues 1103-1123): LLGRYFEEEE[Gly1113Glu]QEPGGMEDAQ